The following is an entry in ClinVar:

NM_005359.6(SMAD4):c.*2968del

Gene: SMAD4 (SMAD family member 4; plus strand). Cytogenetic location: 18q21.2.
Variant type: Deletion.
Coding change: c.*2968del on transcript NM_005359.6 (MANE Select); 2968 bases downstream of the stop codon, one base deleted (T; older notation c.*2968delT).
Molecular consequence: 3 prime UTR variant.
Genome position (GRCh38, 1-based): chr18:51,081,435, T deleted. VCF-style (leftmost placement, unchanged base first): chr18-51081434-CT-C. GRCh37 (hg19) VCF-style: chr18-48607804-CT-C.
Identifiers: ClinVar variation 327151 (VCV000327151.33), dbSNP rs574286440, ClinGen allele CA10650975.

ClinVar aggregate classification (germline): Likely benign (1 of 4 stars; one submission).

Allele frequency attached by ClinVar (database versions not stated): gnomAD exomes 0.00155; gnomAD 0.00276 and 0.00280; TOPMed 0.00322; 1000 Genomes Project 0.00379; 1000 Genomes Project 30x 0.00437.

Submission:

CeGaT Center for Human Genetics Tuebingen
Classification: Likely benign. Last evaluated: 2023-05-01. Review status: criteria provided, single submitter. Criteria: CeGaT Center For Human Genetics Tuebingen Variant Classification Criteria Version 2. Collection method: clinical testing. Allele origin: germline. Affected: yes. Observed: 6 variant alleles.
Comment: SMAD4: BS2